The following is an entry in ClinVar:

NM_000521.4(HEXB):c.383T>G (p.Leu128Arg)

Gene: HEXB (hexosaminidase subunit beta; plus strand). Cytogenetic location: 5q13.3.
Variant type: single nucleotide variant.
Coding change: c.383T>G on transcript NM_000521.4 (MANE Select); coding-DNA position 383, T replaced by G.
Protein change: p.Leu128Arg; replaces leucine 128 with arginine.
Molecular consequence: missense variant. On other transcripts: 5 prime UTR variant (1).
Genome position (GRCh38, 1-based): chr5:74,689,411, T>G. VCF-style: chr5-74689411-T-G. GRCh37 (hg19) VCF-style: chr5-73985236-T-G.
Other names: p.Leu128Arg; c.-293T>G (NM_001292004.2); short protein forms L128R.
Identifiers: ClinVar variation 702997 (VCV000702997.38), dbSNP rs113678356, ClinGen allele CA3305810.

ClinVar aggregate classification (germline): Likely benign. Review status: criteria provided, multiple submitters, no conflicts (2 of 4 stars). 6 submissions from 6 submitters: Likely benign (4). 2 of the submissions do not count toward it. Last evaluated 2026-01-28.

Conditions:
HEXB-related disorder. Also called: HEXB-related condition.
Sandhoff disease. Also called: Beta-hexosaminidase-beta-subunit deficiency; GM2 gangliosidosis, type 2; Total hexosaminidase deficiency; Sandhoff-Jatzkewitz-Pilz disease; GM2-GANGLIOSIDOSIS, TYPE II; HEXOSAMINIDASES A AND B DEFICIENCY. Identifiers: Orphanet 796, MedGen C0036161, MONDO:0010006, OMIM 268800.

Allele frequency attached by ClinVar (database versions not stated): gnomAD exomes 0.00016 and 0.00036; 1000 Genomes Project 0.00040; ExAC 0.00046; 1000 Genomes Project 30x 0.00062; gnomAD 0.00160 and 0.00177; ESP Exome Variant Server 0.00169; TOPMed 0.00201.
gnomAD v4.1: 513 of 1,613,572 alleles (0.032%); highest among the groups gnomAD compares: African/African-American, 0.49%; 2 homozygotes.

Submissions (6):

Labcorp Genetics (formerly Invitae), Labcorp
Classification: Likely benign for Sandhoff disease. Last evaluated: 2026-01-28. Review status: criteria provided, single submitter. Criteria: Invitae Variant Classification Sherloc (09022015). Collection method: clinical testing. Allele origin: germline.

Mayo Clinic Laboratories, Mayo Clinic
Classification: Likely benign. Last evaluated: 2025-06-16. Review status: criteria provided, single submitter. Criteria: ACMG Guidelines, 2015. Collection method: clinical testing. Allele origin: germline. Observed: 2 variant alleles.
Comment: BS1, BP4

CeGaT Center for Human Genetics Tuebingen
Classification: Likely benign. Last evaluated: 2023-11-01. Review status: criteria provided, single submitter. Criteria: CeGaT Center For Human Genetics Tuebingen Variant Classification Criteria Version 2. Collection method: clinical testing. Allele origin: germline. Affected: yes. Observed: 1 variant allele.
Comment: HEXB: BP4

Breakthrough Genomics
Classification: Likely benign. Review status: criteria provided, single submitter. Criteria: ACMG Guidelines, 2015. Collection method: not provided. Allele origin: germline. Inheritance: Autosomal recessive inheritance. Affected: yes.

PreventionGenetics, part of Exact Sciences
Classification: Likely benign for HEXB-related condition. Last evaluated: 2022-02-18. Review status: no assertion criteria provided. Collection method: clinical testing. Allele origin: germline. Not counted in ClinVar's aggregate classification.
Comment: This variant is classified as likely benign based on ACMG/AMP sequence variant interpretation guidelines (Richards et al. 2015 PMID: 25741868, with internal and published modifications).

Natera, Inc.
Classification: Likely benign for Sandhoff disease. Last evaluated: 2020-06-10. Review status: no assertion criteria provided. Collection method: clinical testing. Allele origin: germline. Not counted in ClinVar's aggregate classification.